The following is an entry in ClinVar:

NM_001134831.2(AHI1):c.2492+5G>A

Gene: AHI1 (Abelson helper integration site 1; minus strand). Cytogenetic location: 6q23.3.
Variant type: single nucleotide variant.
Coding change: c.2492+5G>A on transcript NM_001134831.2 (MANE Select); 5 bases into the intron after coding-DNA position 2492, G replaced by A.
Molecular consequence: intron variant.
Genome position (GRCh38, 1-based): chr6:135,429,877, C>T on the plus strand (G>A on the coding strand, the complement: AHI1 is on the minus strand). VCF-style: chr6-135429877-C-T. GRCh37 (hg19) VCF-style: chr6-135751015-C-T.
Other names: c.2492+5G>A (NM_001134830.2, NM_001350503.2, NM_017651.5 and 2 more transcripts).
Identifiers: ClinVar variation 1064588 (VCV001064588.3), dbSNP rs2128012406, ClinGen allele CA2499218110.

ClinVar aggregate classification (germline): Likely pathogenic (1 of 4 stars; one submission).

Conditions:
Joubert syndrome 3 (JBTS3). Also called: AHI1-related Ciliopathy. Identifiers: Orphanet 220493, MedGen C1837713, MONDO:0012078, OMIM 608629.

Allele frequency attached by ClinVar (database versions not stated): gnomAD exomes below 0.00001.
gnomAD v4.1: 1 of 1,485,692 alleles (0.000067%); highest among the groups gnomAD compares: South Asian, 0.0012%; no homozygotes.

Submission:

Kids Neuroscience Centre, Sydney Children's Hospitals Network
Classification: Likely pathogenic for Joubert syndrome 3. Review status: criteria provided, single submitter. Criteria: Bournazos AM et al. (Genet Med 2021). Collection method: clinical testing. Allele origin: paternal, maternal, unknown. Inheritance: Autosomal recessive inheritance. Affected: yes and no. Observed: 1 heterozygote, 2 compound heterozygotes.
Comment: mRNA studies confirm the heterozygous c.2492+5G>A variant induces abnormal splicing of AHI1 transcripts. splicing outcomes induce a premature termination codon and are unlikely to be translated into functional protein. The heterozygous c.1051C>T nonsense variant has been previously reported as pathogenic in ClinVar. Hence, the collective data are consistent with likely pathogenicity of the AHI1 c.2492+5G>A variant. Compound heterozygous variants in AHI1 are consistent with autosomal recessive Joubert syndrome.